The following is an entry in ClinVar:

NM_001378454.1(ALMS1):c.8462A>G (p.His2821Arg)

Gene: ALMS1 (ALMS1 centrosome and basal body associated protein; plus strand). Cytogenetic location: 2p13.1.
Variant type: single nucleotide variant.
Coding change: c.8462A>G on transcript NM_001378454.1 (MANE Select); coding-DNA position 8462, A replaced by G.
Protein change: p.His2821Arg; replaces histidine 2821 with arginine.
Molecular consequence: missense variant.
Genome position (GRCh38, 1-based): chr2:73,490,421, A>G. VCF-style: chr2-73490421-A-G. GRCh37 (hg19) VCF-style: chr2-73717548-A-G.
Other names: c.8465A>G, p.His2822Arg (NM_015120.4); short protein forms H2821R, H2822R.
Identifiers: ClinVar variation 1416789 (VCV001416789.4), dbSNP rs1259827695, ClinGen allele CA347268988.

ClinVar aggregate classification (germline): Uncertain significance. Review status: criteria provided, multiple submitters, no conflicts (2 of 4 stars). 2 submissions from 2 submitters: Uncertain significance (2). Last evaluated 2024-03-06.

Conditions:
Alstrom syndrome (ALMS). Identifiers: Orphanet 64, MedGen C0268425, MONDO:0008763, OMIM 203800.

Allele frequency attached by ClinVar (database versions not stated): gnomAD exomes 0.00001; TOPMed 0.00001; gnomAD 0.00002.
gnomAD v4.1: 7 of 1,614,062 alleles (0.00043%); highest among the groups gnomAD compares: African/African-American, 0.0013%; no homozygotes.

Submissions (2):

GeneDx
Classification: Uncertain significance. Last evaluated: 2024-03-06. Review status: criteria provided, single submitter. Criteria: GeneDx Variant Classification Process June 2021. Collection method: clinical testing. Allele origin: germline. Affected: yes.
Comment: Not observed at significant frequency in large population cohorts (gnomAD); In silico analysis supports that this missense variant does not alter protein structure/function; Has not been previously published as pathogenic or benign to our knowledge

Labcorp Genetics (formerly Invitae), Labcorp
Classification: Uncertain significance for Alstrom syndrome. Last evaluated: 2022-08-08. Review status: criteria provided, single submitter. Criteria: Invitae Variant Classification Sherloc (09022015). Collection method: clinical testing. Allele origin: germline.
Comment: This sequence change replaces histidine, which is basic and polar, with arginine, which is basic and polar, at codon 2822 of the ALMS1 protein (p.His2822Arg). This variant is present in population databases (no rsID available, gnomAD 0.007%). This variant has not been reported in the literature in individuals affected with ALMS1-related conditions. ClinVar contains an entry for this variant (Variation ID: 1416789). Experimental studies and prediction algorithms are not available or were not evaluated, and the functional significance of this variant is currently unknown. In summary, the available evidence is currently insufficient to determine the role of this variant in disease. Therefore, it has been classified as a Variant of Uncertain Significance.